The following is an entry in ClinVar:

ClinVar aggregate classification (germline): Uncertain significance (1 of 4 stars; one submission).

Allele frequency attached by ClinVar (database versions not stated): gnomAD 0.00004; TOPMed 0.00007; ExAC 0.00009; gnomAD exomes 0.00009 and 0.00010.
gnomAD v4.1: 154 of 1,611,292 alleles (0.0096%); highest among the groups gnomAD compares: Non-Finnish European, 0.013%; no homozygotes.

Submission:

Labcorp Genetics (formerly Invitae), Labcorp
Classification: Uncertain significance. Last evaluated: 2024-01-06. Review status: criteria provided, single submitter. Criteria: Invitae Variant Classification Sherloc (09022015). Collection method: clinical testing. Allele origin: germline.
Comment: This sequence change replaces alanine, which is neutral and non-polar, with aspartic acid, which is acidic and polar, at codon 1287 of the CARMIL2 protein (p.Ala1287Asp). This variant is present in population databases (rs771028191, gnomAD 0.02%). This variant has not been reported in the literature in individuals affected with CARMIL2-related conditions. ClinVar contains an entry for this variant (Variation ID: 1397719). Advanced modeling of protein sequence and biophysical properties (such as structural, functional, and spatial information, amino acid conservation, physicochemical variation, residue mobility, and thermodynamic stability) performed at Invitae indicates that this missense variant is not expected to disrupt CARMIL2 protein function with a negative predictive value of 80%. In summary, the available evidence is currently insufficient to determine the role of this variant in disease. Therefore, it has been classified as a Variant of Uncertain Significance.

NM_001013838.3(CARMIL2):c.3860C>A (p.Ala1287Asp)

Gene: CARMIL2 (capping protein regulator and myosin 1 linker 2; plus strand). Cytogenetic location: 16q22.1.
Variant type: single nucleotide variant.
Coding change: c.3860C>A on transcript NM_001013838.3 (MANE Select); coding-DNA position 3860, C replaced by A.
Protein change: p.Ala1287Asp; replaces alanine 1287 with aspartic acid.
Molecular consequence: missense variant.
Genome position (GRCh38, 1-based): chr16:67,656,469, C>A. VCF-style: chr16-67656469-C-A. GRCh37 (hg19) VCF-style: chr16-67690372-C-A.
Other names: c.3752C>A, p.Ala1251Asp (NM_001317026.3); short protein forms A1287D, A1251D.
Identifiers: ClinVar variation 1397719 (VCV001397719.6), dbSNP rs771028191, ClinGen allele CA8114200.
Genomic context (GRCh38, chr16:67,656,469, plus strand): 5'-CCTTTCTCCCTACAGACCCTTCCTGCAGACCTGGCCCAGGGAGCCAGGGGCCTGAGTCTG[C>A]CACCTGGAAGACACTGGGGCAGCAGTTGAATGCGGAGCTCAGGAGCCGTGGTTGGGGCCA-3'
Protein context (NP_001013860.1, residues 1277-1297): PGPGSQGPES[Ala1287Asp]TWKTLGQQLN